The following is an entry in ClinVar:

ClinVar aggregate classification (germline): Likely pathogenic (1 of 4 stars; one submission).

Conditions:
Brain-lung-thyroid syndrome. Also called: CHOREOATHETOSIS AND CONGENITAL HYPOTHYROIDISM WITH PULMONARY DYSFUNCTION; Choreoathetosis, Congenital Hypothyroidism, and Neonatal Respiratory Distress Syndrome (Brain-Lung-Thyroid Syndrome); Choreoathetosis, congenital hypothyroidism, and neonatal respiratory distress. Identifiers: Orphanet 209905, MedGen C1970269, MONDO:0012593, OMIM 610978.

Submission:

Institute of Human Genetics, University of Leipzig Medical Center
Classification: Likely pathogenic for Brain-lung-thyroid syndrome. Last evaluated: 2026-03-10. Review status: criteria provided, single submitter. Criteria: ACMG Guidelines, 2015. Collection method: clinical testing. Allele origin: unknown. Affected: yes.
Comment: Criteria applied: PM2,PM5,PM1_SUP,PP3

NM_001079668.3(NKX2-1):c.670C>A (p.Leu224Met)

Genes: NKX2-1 (NK2 homeobox 1; minus strand), SFTA3 (surfactant associated 3; minus strand). Cytogenetic location: 14q13.3.
Variant type: single nucleotide variant.
Coding change: c.670C>A on transcript NM_001079668.3 (MANE Select); coding-DNA position 670, C replaced by A.
Protein change: p.Leu224Met; replaces leucine 224 with methionine.
Molecular consequence: missense variant.
Genome position (GRCh38, 1-based): chr14:36,517,814, G>T on the plus strand (C>A on the coding strand, the complement: NKX2-1 is on the minus strand). VCF-style: chr14-36517814-G-T. GRCh37 (hg19) VCF-style: chr14-36987019-G-T.
Other names: c.580C>A, p.Leu194Met (NM_003317.4); short protein forms L194M, L224M.
Identifiers: ClinVar variation 4845370 (VCV004845370.1).